The following is an entry in ClinVar:

NM_001171.6(ABCC6):c.2635G>A (p.Ala879Thr)

Gene: ABCC6 (ATP binding cassette subfamily C member 6; minus strand). Cytogenetic location: 16p13.11.
Variant type: single nucleotide variant.
Coding change: c.2635G>A on transcript NM_001171.6 (MANE Select); coding-DNA position 2635, G replaced by A.
Protein change: p.Ala879Thr; replaces alanine 879 with threonine.
Molecular consequence: missense variant. On other transcripts: non-coding transcript variant (1).
Genome position (GRCh38, 1-based): chr16:16,175,942, C>T on the plus strand (G>A on the coding strand, the complement: ABCC6 is on the minus strand). VCF-style: chr16-16175942-C-T. GRCh37 (hg19) VCF-style: chr16-16269799-C-T.
Other names: c.2635G>A (NM_001171.5); c.2293G>A, p.Ala765Thr (NM_001351800.1); short protein forms A879T, A765T.
Identifiers: ClinVar variation 870731 (VCV000870731.45), dbSNP rs377008733, ClinGen allele CA7925846.

ClinVar aggregate classification (germline): Conflicting classifications of pathogenicity. Review status: criteria provided, conflicting classifications (1 of 4 stars). 5 submissions from 5 submitters: Uncertain significance (4); Likely benign (1). Last evaluated 2024-10-11.

Conditions:
Autosomal recessive inherited pseudoxanthoma elasticum (PXE). Identifiers: Orphanet 758, MedGen CN032334, MONDO:0009925, OMIM 264800.
Pseudoxanthoma elasticum, forme fruste. Also called: PSEUDOXANTHOMA ELASTICUM, HETEROZYGOUS; Pseudoxanthoma Elasticum, Incomplete. Identifiers: Orphanet 758, MedGen C1867450, MONDO:0008333, OMIM 177850.
Arterial calcification, generalized, of infancy, 2. Identifiers: Orphanet 51608, MedGen C3276161, MONDO:0013768, OMIM 614473.
Inborn genetic diseases. Identifiers: MedGen C0950123, MeSH D030342.

Allele frequency attached by ClinVar (database versions not stated): gnomAD exomes 0.00006 and 0.00028; ExAC 0.00007; gnomAD 0.00008; TOPMed 0.00010; ESP Exome Variant Server 0.00015.
gnomAD v4.1: 404 of 1,614,050 alleles (0.025%); highest among the groups gnomAD compares: Non-Finnish European, 0.034%; no homozygotes.

Submissions (5):

Blueprint Genetics
Classification: Likely benign. Last evaluated: 2024-10-11. Review status: criteria provided, single submitter. Criteria: ACMG Guidelines, 2015. Collection method: clinical testing. Allele origin: germline.

Labcorp Genetics (formerly Invitae), Labcorp
Classification: Uncertain significance. Last evaluated: 2022-08-31. Review status: criteria provided, single submitter. Criteria: Invitae Variant Classification Sherloc (09022015). Collection method: clinical testing. Allele origin: germline.
Comment: This sequence change replaces alanine, which is neutral and non-polar, with threonine, which is neutral and polar, at codon 879 of the ABCC6 protein (p.Ala879Thr). This variant is present in population databases (rs377008733, gnomAD 0.01%). This variant has not been reported in the literature in individuals affected with ABCC6-related conditions. ClinVar contains an entry for this variant (Variation ID: 870731). Advanced modeling of protein sequence and biophysical properties (such as structural, functional, and spatial information, amino acid conservation, physicochemical variation, residue mobility, and thermodynamic stability) performed at Invitae indicates that this missense variant is not expected to disrupt ABCC6 protein function. In summary, the available evidence is currently insufficient to determine the role of this variant in disease. Therefore, it has been classified as a Variant of Uncertain Significance.

Fulgent Genetics
Classification: Uncertain significance for Pseudoxanthoma elasticum, forme fruste; Autosomal recessive inherited pseudoxanthoma elasticum; Arterial calcification, generalized, of infancy, 2. Last evaluated: 2022-03-09. Review status: criteria provided, single submitter. Criteria: ACMG Guidelines, 2015. Collection method: clinical testing. Allele origin: unknown.

Ambry Genetics
Classification: Uncertain significance for Inborn genetic diseases. Last evaluated: 2021-11-15. Review status: criteria provided, single submitter. Criteria: Ambry Variant Classification Scheme 2023. Collection method: clinical testing. Allele origin: germline.

CeGaT Center for Human Genetics Tuebingen
Classification: Uncertain significance. Last evaluated: 2020-01-01. Review status: criteria provided, single submitter. Criteria: CeGaT Center For Human Genetics Tuebingen Variant Classification Criteria Version 2. Collection method: clinical testing. Allele origin: germline. Affected: yes. Observed: 1 variant allele.